The following is an entry in ClinVar:

NM_002519.3(NPAT):c.3838A>G (p.Lys1280Glu)

Gene: NPAT (nuclear protein, coactivator of histone transcription; minus strand). Cytogenetic location: 11q22.3.
Variant type: single nucleotide variant.
Coding change: c.3838A>G on transcript NM_002519.3 (MANE Select); coding-DNA position 3838, A replaced by G.
Protein change: p.Lys1280Glu; replaces lysine 1280 with glutamic acid.
Molecular consequence: missense variant.
Genome position (GRCh38, 1-based): chr11:108,161,248, T>C on the plus strand (A>G on the coding strand, the complement: NPAT is on the minus strand). VCF-style: chr11-108161248-T-C. GRCh37 (hg19) VCF-style: chr11-108031975-T-C.
Other names: c.3859A>G, p.Lys1287Glu (NM_001321307.1); short protein forms K1280E, K1287E.
Identifiers: ClinVar variation 1735395 (VCV001735395.2), dbSNP rs2496694410, ClinGen allele CA382509940.

ClinVar aggregate classification (germline): Uncertain significance (1 of 4 stars; one submission).

gnomAD v4.1: 4 of 1,614,184 alleles (0.00025%); highest among the groups gnomAD compares: Non-Finnish European, 0.00034%; no homozygotes.

Submission:

Ambry Genetics
Classification: Uncertain significance. Last evaluated: 2024-01-11. Review status: criteria provided, single submitter. Criteria: Ambry Variant Classification Scheme 2023. Collection method: clinical testing. Allele origin: germline.
Comment: The p.K1280E variant (also known as c.3838A>G), located in coding exon 17 of the NPAT gene, results from an A to G substitution at nucleotide position 3838. The lysine at codon 1280 is replaced by glutamic acid, an amino acid with similar properties. This amino acid position is conserved. In addition, this alteration is predicted to be tolerated by in silico analysis. Since supporting evidence is limited at this time, the clinical significance of this alteration remains unclear.